The following is an entry in ClinVar:

ClinVar aggregate classification (germline): Uncertain significance (1 of 4 stars; one submission).

Conditions:
Malignant hyperthermia, susceptibility to, 1 (MHS1). Also called: Anesthesia related hyperthermia; Malignant hyperpyrexia; Fulminating hyperpyrexia; Pharmacogenic myopathy; RYR1-Related Malignant Hyperthermia Susceptibility; Malignant hyperthermia suceptibility 1. Identifiers: Orphanet 423, MedGen C2930980, MONDO:0007783, OMIM 145600.

Submission:

All of Us Research Program, National Institutes of Health
Classification: Uncertain significance for Malignant hyperthermia, susceptibility to, 1. Last evaluated: 2023-11-20. Review status: criteria provided, single submitter. Criteria: ACMG Guidelines, 2015. Collection method: clinical testing. Allele origin: germline. Inheritance: Autosomal dominant inheritance. Observed: 1 variant allele, 1 heterozygote.
Comment: This variant is located in the RYR1 protein. To our knowledge, functional studies have not been reported for this variant. This variant has not been reported in individuals affected with RYR1-related disorders in the literature. This variant has not been identified in the general population by the Genome Aggregation Database (gnomAD). The available evidence is insufficient to determine the role of this variant in disease conclusively. Therefore, this variant is classified as a Variant of Uncertain Significance.

This study involves interpretation of variants in research participants for the purpose of population health screening. Participant phenotype was not available at the time of variant classification. Additional details can be found in publication PMID: 35346344, PMCID: PMC8962531

NM_000540.3(RYR1):c.4842G>A (p.Val1614=)

Gene: RYR1 (ryanodine receptor 1; plus strand). Cytogenetic location: 19q13.2.
Variant type: single nucleotide variant.
Coding change: c.4842G>A on transcript NM_000540.3 (MANE Select); coding-DNA position 4842, G replaced by A.
Protein change: p.Val1614=; no amino-acid change (valine 1614 retained).
Molecular consequence: synonymous variant.
Genome position (GRCh38, 1-based): chr19:38,483,424, G>A. VCF-style: chr19-38483424-G-A. GRCh37 (hg19) VCF-style: chr19-38974064-G-A.
Other names: c.4842G>A, p.Val1614= (NM_001042723.2).
Identifiers: ClinVar variation 3074581 (VCV003074581.1), dbSNP rs2514214447, ClinGen allele CA507353194.